The following is an entry in ClinVar:

ClinVar aggregate classification (germline): Uncertain significance (1 of 4 stars; one submission).

Conditions:
Autoimmune lymphoproliferative syndrome type 2A (ALPS2A). Also called: CASP10-Related Autoimmune Lymphoproliferative Syndrome; AUTOIMMUNE LYMPHOPROLIFERATIVE SYNDROME, TYPE IIA; Autoimmune lymphoproliferative syndrome type 2. Identifiers: Orphanet 3261, MedGen C1858968, MONDO:0011383, OMIM 603909.

Submission:

Labcorp Genetics (formerly Invitae), Labcorp
Classification: Uncertain significance for Autoimmune lymphoproliferative syndrome type 2A. Last evaluated: 2021-03-24. Review status: criteria provided, single submitter. Criteria: Invitae Variant Classification Sherloc (09022015). Collection method: clinical testing. Allele origin: germline.
Comment: In summary, the available evidence is currently insufficient to determine the role of this variant in disease. Therefore, it has been classified as a Variant of Uncertain Significance. This variant has not been reported in the literature in individuals with CASP10-related conditions. This variant is a gross deletion of the genomic region encompassing exon(s) 6 of the CASP10 gene. This deletion is out-of-frame, and is expected to create a premature translational stop signal and result in an absent or disrupted protein product. However, the current clinical and genetic evidence is not sufficient to establish whether loss-of-function variants in CASP10 cause disease.

NC_000002.11:g.(?_202068433)_(202068509_?)del

Gene: CASP10 (caspase 10; plus strand). Cytogenetic location: 2q33.1.
Variant type: Deletion.
Identifiers: ClinVar variation 1376640 (VCV001376640.6).